The following is an entry in ClinVar:

NM_024408.4(NOTCH2):c.6331A>G (p.Thr2111Ala)

Gene: NOTCH2 (notch receptor 2; minus strand). Cytogenetic location: 1p12.
Variant type: single nucleotide variant.
Coding change: c.6331A>G on transcript NM_024408.4 (MANE Select); coding-DNA position 6331, A replaced by G.
Protein change: p.Thr2111Ala; replaces threonine 2111 with alanine.
Molecular consequence: missense variant.
Genome position (GRCh38, 1-based): chr1:119,916,391, T>C on the plus strand (A>G on the coding strand, the complement: NOTCH2 is on the minus strand). VCF-style: chr1-119916391-T-C. GRCh37 (hg19) VCF-style: chr1-120459014-T-C.
Other names: c.6331A>G (NM_024408.3); short protein forms T2111A.
Identifiers: ClinVar variation 1356468 (VCV001356468.7), dbSNP rs752915446, ClinGen allele CA1039443.

ClinVar aggregate classification (germline): Uncertain significance. Review status: criteria provided, multiple submitters, no conflicts (2 of 4 stars). 2 submissions from 2 submitters: Uncertain significance (2). Last evaluated 2026-01-22.

Conditions:
Hajdu-Cheney syndrome (HJCYS). Also called: SERPENTINE FIBULA-POLYCYSTIC KIDNEY SYNDROME; ACROOSTEOLYSIS WITH OSTEOPOROSIS AND CHANGES IN SKULL AND MANDIBLE; Acroosteolysis dominant type. Identifiers: Orphanet 955, MedGen C0917715, MONDO:0007057, OMIM 102500.
NOTCH2-related disorder. Also called: NOTCH2-related condition.

Allele frequency attached by ClinVar (database versions not stated): ExAC 0.00001; gnomAD exomes 0.00001; gnomAD 0.00002; TOPMed 0.00002.
gnomAD v4.1: 19 of 1,614,078 alleles (0.0012%); highest among the groups gnomAD compares: Middle Eastern, 0.016%; no homozygotes.

Submissions (2):

Labcorp Genetics (formerly Invitae), Labcorp
Classification: Uncertain significance for Hajdu-Cheney syndrome. Last evaluated: 2026-01-22. Review status: criteria provided, single submitter. Criteria: Invitae Variant Classification Sherloc (09022015). Collection method: clinical testing. Allele origin: germline.
Comment: This sequence change replaces threonine, which is neutral and polar, with alanine, which is neutral and non-polar, at codon 2111 of the NOTCH2 protein (p.Thr2111Ala). This variant is present in population databases (rs752915446, gnomAD 0.003%). This variant has not been reported in the literature in individuals affected with NOTCH2-related conditions. ClinVar contains an entry for this variant (Variation ID: 1356468). Invitae Evidence Modeling of protein sequence and biophysical properties (such as structural, functional, and spatial information, amino acid conservation, physicochemical variation, residue mobility, and thermodynamic stability) indicates that this missense variant is not expected to disrupt NOTCH2 protein function with a negative predictive value of 80%. In summary, the available evidence is currently insufficient to determine the role of this variant in disease. Therefore, it has been classified as a Variant of Uncertain Significance.

PreventionGenetics, part of Exact Sciences
Classification: Uncertain significance for NOTCH2-related condition. Last evaluated: 2025-10-21. Review status: criteria provided, single submitter. Criteria: ACMG Guidelines, 2015. Collection method: clinical testing. Allele origin: germline.
Comment: The NOTCH2 c.6331A>G variant is predicted to result in the amino acid substitution p.Thr2111Ala. To our knowledge, this variant has not been reported in the literature. This variant is reported in 0.0026% of alleles in individuals of European (Non-Finnish) descent in gnomAD. At this time, the clinical significance of this variant is uncertain due to the absence of conclusive functional and genetic evidence.